The following is an entry in ClinVar:

NM_001257180.2(SLC20A2):c.476G>A (p.Gly159Asp)

Gene: SLC20A2 (solute carrier family 20 member 2; minus strand). Cytogenetic location: 8p11.21.
Variant type: single nucleotide variant.
Coding change: c.476G>A on transcript NM_001257180.2 (MANE Select); coding-DNA position 476, G replaced by A.
Protein change: p.Gly159Asp; replaces glycine 159 with aspartic acid.
Molecular consequence: missense variant.
Genome position (GRCh38, 1-based): chr8:42,463,045, C>T on the plus strand (G>A on the coding strand, the complement: SLC20A2 is on the minus strand). VCF-style: chr8-42463045-C-T. GRCh37 (hg19) VCF-style: chr8-42320563-C-T.
Other names: c.476G>A, p.Gly159Asp (NM_001257181.2, NM_006749.5); short protein forms G159D.
Identifiers: ClinVar variation 5029607 (VCV005029607.1).

ClinVar aggregate classification (germline): Uncertain significance (1 of 4 stars; one submission).

Conditions:
Inborn genetic diseases. Identifiers: MedGen C0950123, MeSH D030342.

gnomAD v4.1: 4 of 1,605,108 alleles (0.00025%); highest among the groups gnomAD compares: South Asian, 0.0023%; no homozygotes.

Submission:

Ambry Genetics
Classification: Uncertain significance for Inborn genetic diseases. Last evaluated: 2026-08-31. Review status: criteria provided, single submitter. Criteria: Ambry Variant Classification Scheme 2023. Collection method: clinical testing. Allele origin: germline.
Comment: The c.476G>A (p.G159D) alteration is located in exon 4 (coding exon 3) of the SLC20A2 gene. This alteration results from a G to A substitution at nucleotide position 476, causing the glycine (G) at amino acid position 159 to be replaced by an aspartic acid (D). Based on data from gnomAD, the A allele has an overall frequency of 0.001% (3/244678) total alleles studied. The highest observed frequency was 0.004% (1/28618) of South Asian alleles. Based on insufficient or conflicting evidence, the clinical significance of this alteration remains unclear.